The following is an entry in ClinVar:

NM_198282.4(STING1):c.188T>C (p.Val63Ala)

Gene: STING1 (stimulator of interferon response cGAMP interactor 1; minus strand). Cytogenetic location: 5q31.2.
Variant type: single nucleotide variant.
Coding change: c.188T>C on transcript NM_198282.4 (MANE Select); coding-DNA position 188, T replaced by C.
Protein change: p.Val63Ala; replaces valine 63 with alanine.
Molecular consequence: missense variant. On other transcripts: intron variant (1).
Genome position (GRCh38, 1-based): chr5:139,481,517, A>G on the plus strand (T>C on the coding strand, the complement: STING1 is on the minus strand). VCF-style: chr5-139481517-A-G. GRCh37 (hg19) VCF-style: chr5-138861102-A-G.
Other names: c.188T>C, p.Val63Ala (NM_001301738.2); c.-130-175T>C (NM_001367258.1); short protein forms V63A.
Identifiers: ClinVar variation 3649173 (VCV003649173.2).

ClinVar aggregate classification (germline): Uncertain significance (1 of 4 stars; one submission).

Conditions:
STING-associated vasculopathy with onset in infancy. Also called: Sting-associated vasculopathy, infantile-onset. Identifiers: Orphanet 425120, MedGen C4014722, MONDO:0014405, OMIM 615934.

Submission:

Labcorp Genetics (formerly Invitae), Labcorp
Classification: Uncertain significance for STING-associated vasculopathy with onset in infancy. Last evaluated: 2024-04-08. Review status: criteria provided, single submitter. Criteria: Invitae Variant Classification Sherloc (09022015). Collection method: clinical testing. Allele origin: germline.
Comment: This sequence change replaces valine, which is neutral and non-polar, with alanine, which is neutral and non-polar, at codon 63 of the TMEM173 protein (p.Val63Ala). The frequency data for this variant in the population databases is considered unreliable, as metrics indicate poor data quality at this position in the gnomAD database. This variant has not been reported in the literature in individuals affected with TMEM173-related conditions. Advanced modeling of protein sequence and biophysical properties (such as structural, functional, and spatial information, amino acid conservation, physicochemical variation, residue mobility, and thermodynamic stability) performed at Invitae indicates that this missense variant is not expected to disrupt TMEM173 protein function with a negative predictive value of 80%. In summary, the available evidence is currently insufficient to determine the role of this variant in disease. Therefore, it has been classified as a Variant of Uncertain Significance.